The following is an entry in ClinVar:

ClinVar aggregate classification (germline): Uncertain significance (1 of 4 stars; one submission).

Submission:

Labcorp Genetics (formerly Invitae), Labcorp
Classification: Uncertain significance. Last evaluated: 2021-07-21. Review status: criteria provided, single submitter. Criteria: Invitae Variant Classification Sherloc (09022015). Collection method: clinical testing. Allele origin: germline.
Comment: In summary, the available evidence is currently insufficient to determine the role of this variant in disease. Therefore, it has been classified as a Variant of Uncertain Significance. Algorithms developed to predict the effect of missense changes on protein structure and function (SIFT, PolyPhen-2, Align-GVGD) all suggest that this variant is likely to be disruptive. This variant has not been reported in the literature in individuals affected with MCM3AP-related conditions. This variant is not present in population databases (ExAC no frequency). This sequence change replaces arginine with methionine at codon 949 of the MCM3AP protein (p.Arg949Met). The arginine residue is moderately conserved and there is a moderate physicochemical difference between arginine and methionine.

NM_003906.5(MCM3AP):c.2846G>T (p.Arg949Met)

Gene: MCM3AP (minichromosome maintenance complex component 3 associated protein; minus strand). Cytogenetic location: 21q22.3.
Variant type: single nucleotide variant.
Coding change: c.2846G>T on transcript NM_003906.5 (MANE Select); coding-DNA position 2846, G replaced by T.
Protein change: p.Arg949Met; replaces arginine 949 with methionine.
Molecular consequence: missense variant.
Genome position (GRCh38, 1-based): chr21:46,266,110, C>A on the plus strand (G>T on the coding strand, the complement: MCM3AP is on the minus strand). VCF-style: chr21-46266110-C-A. GRCh37 (hg19) VCF-style: chr21-47686024-C-A.
Other names: short protein forms R949M.
Identifiers: ClinVar variation 1406506 (VCV001406506.8), dbSNP rs1009500608, ClinGen allele CA410562013.